The following is an entry in ClinVar:

ClinVar aggregate classification (germline): Conflicting classifications of pathogenicity. Review status: criteria provided, conflicting classifications (1 of 4 stars). 4 submissions from 4 submitters: Uncertain significance (1); Benign (2); Likely benign (1). Last evaluated 2026-01-20.

Allele frequency attached by ClinVar (database versions not stated): gnomAD exomes 0.00017 and 0.00034; ExAC 0.00044; ESP Exome Variant Server 0.00108; 1000 Genomes Project 0.00160; TOPMed 0.00172; gnomAD 0.00179 and 0.00204.

Submissions (4):

Labcorp Genetics (formerly Invitae), Labcorp
Classification: Benign. Last evaluated: 2026-01-20. Review status: criteria provided, single submitter. Criteria: Invitae Variant Classification Sherloc (09022015). Collection method: clinical testing. Allele origin: germline.

Mayo Clinic Laboratories, Mayo Clinic
Classification: Benign. Last evaluated: 2025-07-23. Review status: criteria provided, single submitter. Criteria: ACMG Guidelines, 2015. Collection method: clinical testing. Allele origin: germline. Observed: 1 variant allele.
Comment: BS1, BP4_strong

Blueprint Genetics
Classification: Likely benign. Last evaluated: 2024-11-26. Review status: criteria provided, single submitter. Criteria: ACMG Guidelines, 2015. Collection method: clinical testing. Allele origin: germline.

GeneDx
Classification: Uncertain significance. Last evaluated: 2020-02-20. Review status: criteria provided, single submitter. Criteria: GeneDx Variant Classification Process June 2021. Collection method: clinical testing. Allele origin: germline. Affected: yes.
Comment: Has not been previously published as pathogenic or benign to our knowledge; In silico analysis supports that this missense variant does not alter protein structure/function

NM_005612.5(REST):c.2203C>T (p.Pro735Ser)

Gene: REST (RE1 silencing transcription factor; plus strand). Cytogenetic location: 4q12.
Variant type: single nucleotide variant.
Coding change: c.2203C>T on transcript NM_005612.5 (MANE Select); coding-DNA position 2203, C replaced by T.
Protein change: p.Pro735Ser; replaces proline 735 with serine.
Molecular consequence: missense variant.
Genome position (GRCh38, 1-based): chr4:56,931,061, C>T. VCF-style: chr4-56931061-C-T. GRCh37 (hg19) VCF-style: chr4-57797227-C-T.
Other names: p.Pro735Ser; c.2203C>T, p.Pro735Ser (NM_001193508.2, NM_001363453.3); short protein forms P735S.
Identifiers: ClinVar variation 1166840 (VCV001166840.14), dbSNP rs141166149, ClinGen allele CA2932430.